The following is an entry in ClinVar:

ClinVar aggregate classification (germline): Likely pathogenic (1 of 4 stars; one submission).

Conditions:
T-B+ severe combined immunodeficiency due to JAK3 deficiency. Also called: SCID, autosomal recessive, T-negative/B-positive type; SCID, T CELL-NEGATIVE, B CELL-POSITIVE, NK CELL-NEGATIVE. Identifiers: Orphanet 35078, MedGen C1833275, MONDO:0010938, OMIM 600802.

Submission:

Labcorp Genetics (formerly Invitae), Labcorp
Classification: Likely pathogenic for T-B+ severe combined immunodeficiency due to JAK3 deficiency. Last evaluated: 2023-07-19. Review status: criteria provided, single submitter. Criteria: Invitae Variant Classification Sherloc (09022015). Collection method: clinical testing. Allele origin: germline.
Comment: In summary, the currently available evidence indicates that the variant is pathogenic, but additional data are needed to prove that conclusively. Therefore, this variant has been classified as Likely Pathogenic. Algorithms developed to predict the effect of sequence changes on RNA splicing suggest that this variant may disrupt the consensus splice site. This variant has not been reported in the literature in individuals affected with JAK3-related conditions. This variant is not present in population databases (gnomAD no frequency). This sequence change affects a donor splice site in intron 13 of the JAK3 gene. It is expected to disrupt RNA splicing. Variants that disrupt the donor or acceptor splice site typically lead to a loss of protein function (PMID: 16199547), and loss-of-function variants in JAK3 are known to be pathogenic (PMID: 7481768, 11668621).

Literature cited by the submitters: PubMed 16199547; PubMed 7481768; PubMed 11668621.

NM_000215.4(JAK3):c.1786+1G>A

Gene: JAK3 (Janus kinase 3; minus strand). Cytogenetic location: 19p13.11.
Variant type: single nucleotide variant.
Coding change: c.1786+1G>A on transcript NM_000215.4 (MANE Select); the canonical splice donor site of the intron after coding-DNA position 1786, G replaced by A.
Molecular consequence: splice donor variant.
Genome position (GRCh38, 1-based): chr19:17,837,128, C>T on the plus strand (G>A on the coding strand, the complement: JAK3 is on the minus strand). VCF-style: chr19-17837128-C-T. GRCh37 (hg19) VCF-style: chr19-17947937-C-T.
Identifiers: ClinVar variation 2745147 (VCV002745147.3), dbSNP rs2147686036, ClinGen allele CA404769063.